The following is an entry in ClinVar:

ClinVar aggregate classification (germline): Pathogenic (1 of 4 stars; one submission).

Conditions:
Hereditary cancer-predisposing syndrome. Also called: Neoplastic Syndromes, Hereditary; Tumor predisposition; Hereditary Cancer Syndrome; Hereditary neoplastic syndrome. Identifiers: Orphanet 140162, MedGen C0027672, MeSH D009386, MONDO:0015356.

Submission:

Ambry Genetics
Classification: Pathogenic for Hereditary cancer-predisposing syndrome. Last evaluated: 2025-08-18. Review status: criteria provided, single submitter. Criteria: Ambry Variant Classification Scheme 2023. Collection method: clinical testing. Allele origin: germline.
Comment: The c.527delA pathogenic mutation, located in coding exon 4 of the SUFU gene, results from a deletion of one nucleotide at nucleotide position 527, causing a translational frameshift with a predicted alternate stop codon (p.H176Pfs*4). This variant is considered to be rare based on population cohorts in the Genome Aggregation Database (gnomAD). This alteration is expected to result in loss of function by premature protein truncation or nonsense-mediated mRNA decay. As such, this alteration is interpreted as a disease-causing mutation.

NM_016169.4(SUFU):c.527del (p.His176fs)

Gene: SUFU (SUFU negative regulator of hedgehog signaling; plus strand). Cytogenetic location: 10q24.32.
Variant type: Deletion.
Coding change: c.527del on transcript NM_016169.4 (MANE Select); coding-DNA position 527, one base deleted (A; older notation c.527delA).
Protein change: p.His176fs; shifts the reading frame from histidine 176.
Molecular consequence: frameshift variant.
Genome position (GRCh38, 1-based): chr10:102,592,654, A deleted. VCF-style (leftmost placement, unchanged base first): chr10-102592653-CA-C. GRCh37 (hg19) VCF-style: chr10-104352410-CA-C.
Other names: c.527del, p.His176fs (NM_001178133.2); short protein forms H176fs.
Identifiers: ClinVar variation 4177547 (VCV004177547.1).
Genomic context (GRCh38, chr10:102,592,653, plus strand): 5'-TGCAGTGGGGACCATGTGTCCTGGCACAGCCCTTTGGATAACAGTGAGTCAAGAATTCAG[CA>C]CATGCTGCTGACAGAGGACCCACAGATGCAGCCCGTGCAGACACCCTTTGGGGTAGTTAC-3'